The following is an entry in ClinVar:

NM_001271938.2(MEGF8):c.6295C>T (p.Pro2099Ser)

Gene: MEGF8 (multiple EGF like domains 8; plus strand). Cytogenetic location: 19q13.2.
Variant type: single nucleotide variant.
Coding change: c.6295C>T on transcript NM_001271938.2 (MANE Select); coding-DNA position 6295, C replaced by T.
Protein change: p.Pro2099Ser; replaces proline 2099 with serine.
Molecular consequence: missense variant.
Genome position (GRCh38, 1-based): chr19:42,368,476, C>T. VCF-style: chr19-42368476-C-T. GRCh37 (hg19) VCF-style: chr19-42872628-C-T.
Other names: c.6094C>T, p.Pro2032Ser (NM_001410.3); short protein forms P2032S, P2099S.
Identifiers: ClinVar variation 560253 (VCV000560253.5), dbSNP rs1471300485, ClinGen allele CA406133016.
Genomic context (GRCh38, chr19:42,368,476, plus strand): 5'-CTCTCTTCCCTGCATCCCCATCCCCTCCCCCCCATACAGTGTCTGAGCCCTTCCTACCTG[C>T]CCCTGCGATGTATGGCCGGAGGCTGTGGGCGGCTGCTCCGGGGACCTGAGAGCTGCTCCC-3'
Protein context (NP_001258867.1, residues 2089-2109): LQQCLSPSYL[Pro2099Ser]LRCMAGGCGR

ClinVar aggregate classification (germline): Uncertain significance. Review status: criteria provided, multiple submitters, no conflicts (2 of 4 stars). 2 submissions from 2 submitters: Uncertain significance (2). Last evaluated 2019-09-05.

Conditions:
MEGF8-related Carpenter syndrome. Also called: Carpenter syndrome 2. Identifiers: Orphanet 65759, MedGen C3554247, MONDO:0013998, OMIM 614976.

Allele frequency attached by ClinVar (database versions not stated): TOPMed below 0.00001; gnomAD 0.00001.
gnomAD v4.1: 7 of 1,609,254 alleles (0.00043%); highest among the groups gnomAD compares: Non-Finnish European, 0.00059%; no homozygotes.

Submissions (2):

GeneDx
Classification: Uncertain significance. Last evaluated: 2019-09-05. Review status: criteria provided, single submitter. Criteria: GeneDx Variant Classification Process June 2021. Collection method: clinical testing. Allele origin: germline. Affected: yes.
Comment: In silico analysis, which includes protein predictors and evolutionary conservation, supports a deleterious effect; Has not been previously published as pathogenic or benign to our knowledge

Geisinger Autism and Developmental Medicine Institute, Geisinger Health System
Classification: Uncertain significance for MEGF8-related Carpenter syndrome. Last evaluated: 2017-08-01. Review status: criteria provided, single submitter. Criteria: ACMG Guidelines, 2015. Collection method: provider interpretation, clinical testing. Allele origin: maternal. Affected: no. Observed: 1 variant allele.
Comment: The variant is absent from the gnomAD database, and computational models predict it to be deleterious. This variant has not been reported previously in a clinical setting, to our knowledge. A second VUS in MEGF8 (p.Arg2172Cys) was also identified in trans. Clinical correlation with Carpenter syndrome 2 was thought to be poor.